The following is an entry in ClinVar:

NM_005618.4(DLL1):c.2031C>A (p.Thr677=)

Genes: DLL1 (delta like canonical Notch ligand 1; minus strand), LOC126859913 (P300/CBP strongly-dependent group 1 enhancer GRCh37_chr6:170591232-170592431; plus strand). Cytogenetic location: 6q27.
Variant type: single nucleotide variant.
Coding change: c.2031C>A on transcript NM_005618.4 (MANE Select); coding-DNA position 2031, C replaced by A.
Protein change: p.Thr677=; no amino-acid change (threonine 677 retained).
Molecular consequence: synonymous variant.
Genome position (GRCh38, 1-based): chr6:170,283,248, G>T on the plus strand (C>A on the coding strand, the complement: DLL1 is on the minus strand). VCF-style: chr6-170283248-G-T. GRCh37 (hg19) VCF-style: chr6-170592336-G-T.
Identifiers: ClinVar variation 751057 (VCV000751057.33), dbSNP rs375954659, ClinGen allele CA4106652.

ClinVar aggregate classification (germline): Likely benign. Review status: criteria provided, multiple submitters, no conflicts (2 of 4 stars). 3 submissions from 3 submitters: Likely benign (2). 1 of the submissions does not count toward it. Last evaluated 2025-04-01.

Conditions:
DLL1-related disorder. Also called: DLL1-related condition.

Allele frequency attached by ClinVar (database versions not stated): ESP Exome Variant Server 0.00008; ExAC 0.00015; gnomAD exomes 0.00018 and 0.00049; TOPMed 0.00020; gnomAD 0.00021 and 0.00022.

Submissions (3):

Labcorp Genetics (formerly Invitae), Labcorp
Classification: Likely benign. Last evaluated: 2025-04-01. Review status: criteria provided, single submitter. Criteria: Invitae Variant Classification Sherloc (09022015). Collection method: clinical testing. Allele origin: germline.

CeGaT Center for Human Genetics Tuebingen
Classification: Likely benign. Last evaluated: 2022-09-01. Review status: criteria provided, single submitter. Criteria: CeGaT Center For Human Genetics Tuebingen Variant Classification Criteria Version 2. Collection method: clinical testing. Allele origin: germline. Affected: yes. Observed: 1 variant allele.
Comment: DLL1: BP4, BP7

PreventionGenetics, part of Exact Sciences
Classification: Likely benign for DLL1-related condition. Last evaluated: 2019-06-18. Review status: no assertion criteria provided. Collection method: clinical testing. Allele origin: germline. Not counted in ClinVar's aggregate classification.
Comment: This variant is classified as likely benign based on ACMG/AMP sequence variant interpretation guidelines (Richards et al. 2015 PMID: 25741868, with internal and published modifications).